The following is an entry in ClinVar:

ClinVar aggregate classification (germline): Benign (1 of 4 stars; one submission).

Allele frequency attached by ClinVar (database versions not stated): TOPMed 0.29094; 1000 Genomes Project 30x 0.29997; 1000 Genomes Project 0.30212.

Submission:

GeneDx
Classification: Benign. Last evaluated: 2018-06-14. Review status: criteria provided, single submitter. Criteria: GeneDx Variant Classification (06012015). Collection method: clinical testing. Allele origin: germline. Affected: yes.
Comment: This variant is considered likely benign or benign based on one or more of the following criteria: it is a conservative change, it occurs at a poorly conserved position in the protein, it is predicted to be benign by multiple in silico algorithms, and/or has population frequency not consistent with disease.

NM_213649.2(SFXN4):c.617-301A>G

Gene: SFXN4 (sideroflexin 4; minus strand). Cytogenetic location: 10q26.11.
Variant type: single nucleotide variant.
Coding change: c.617-301A>G on transcript NM_213649.2 (MANE Select); 301 bases into the intron before coding-DNA position 617, A replaced by G.
Molecular consequence: intron variant.
Genome position (GRCh38, 1-based): chr10:119,155,478, T>C on the plus strand (A>G on the coding strand, the complement: SFXN4 is on the minus strand). VCF-style: chr10-119155478-T-C. GRCh37 (hg19) VCF-style: chr10-120914990-T-C.
Identifiers: ClinVar variation 667487 (VCV000667487.1), dbSNP rs17668764, ClinGen allele CA13171082.
Genomic context (GRCh38, chr10:119,155,478, plus strand): 5'-TCCAGCACCCCTGCTTCCTTACCGGATTCTAGGAGAAACCCTGGGATCTTGGAAACATAT[T>C]CCTCCCTCGTCTTTGCTTAAGTTTTTTTTTTCAGACAGAGTTTCACTCTTGTTGCCCAGG-3'